The following is an entry in ClinVar:

NM_015335.5(MED13L):c.4412_4413del (p.Val1471fs)

Gene: MED13L (mediator complex subunit 13L; minus strand). Cytogenetic location: 12q24.21.
Variant type: Microsatellite.
Coding change: c.4412_4413del on transcript NM_015335.5 (MANE Select); coding-DNA positions 4412 to 4413, 2 bases deleted (TG; older notation c.4412_4413delTG).
Protein change: p.Val1471fs; shifts the reading frame from valine 1471.
Molecular consequence: frameshift variant.
Genome position (GRCh38, 1-based): chr12:115,984,298-115,984,299, CA deleted on the plus strand (TG on the coding strand, the reverse complement: MED13L is on the minus strand); deleting any 2 consecutive bases within chr12:115,984,298-115,984,301 gives the same sequence; the c. name uses the placement nearest the transcript's 3' end. VCF-style (leftmost placement, unchanged base first): chr12-115984297-CCA-C. GRCh37 (hg19) VCF-style: chr12-116422102-CCA-C.
Other names: short protein forms V1471fs.
Identifiers: ClinVar variation 817395 (VCV000817395.1), dbSNP rs1592915896, ClinGen allele CA915946734.

ClinVar aggregate classification (germline): Pathogenic (1 of 4 stars; one submission).

Submission:

GeneDx
Classification: Pathogenic. Last evaluated: 2019-01-04. Review status: criteria provided, single submitter. Criteria: GeneDx Variant Classification (06012015). Collection method: clinical testing. Allele origin: germline. Affected: yes.
Comment: The c.4412_4413delTG pathogenic variant in the MED13L gene causes a frameshift starting with codon Valine 1471, changes this amino acid to a Glycine residue and creates a premature Stop codon at position 7 of the new reading frame, denoted p.Val1471GlyfsX7. This pathogenic variant is predicted to cause loss of normal protein function either through protein truncation or nonsense-mediated mRNA decay. The c.4412_4413delTG variant is not observed in large population cohorts (Lek et al., 2016).